The following is an entry in ClinVar:

NM_024422.6(DSC2):c.660G>T (p.Gly220=)

Gene: DSC2 (desmocollin 2; minus strand). Cytogenetic location: 18q12.1.
Variant type: single nucleotide variant.
Coding change: c.660G>T on transcript NM_024422.6 (MANE Select); coding-DNA position 660, G replaced by T.
Protein change: p.Gly220=; no amino-acid change (glycine 220 retained).
Molecular consequence: synonymous variant.
Genome position (GRCh38, 1-based): chr18:31,087,784, C>A on the plus strand (G>T on the coding strand, the complement: DSC2 is on the minus strand). VCF-style: chr18-31087784-C-A. GRCh37 (hg19) VCF-style: chr18-28667747-C-A.
Other names: c.231G>T, p.Gly77= (NM_001406506.1, NM_001406507.1); c.660G>T, p.Gly220= (NM_004949.5).
Identifiers: ClinVar variation 2014399 (VCV002014399.6), dbSNP rs1987454499, ClinGen allele CA503389445.

ClinVar aggregate classification (germline): Conflicting classifications of pathogenicity. Review status: criteria provided, conflicting classifications (1 of 4 stars). 2 submissions from 2 submitters: Uncertain significance (1); Likely benign (1). Last evaluated 2023-01-08.

Conditions:
Arrhythmogenic right ventricular dysplasia 11. Also called: Arrhythmogenic Right Ventricular Dysplasia/Cardiomyopathy11; ARRHYTHMOGENIC RIGHT VENTRICULAR DYSPLASIA, FAMILIAL, 11; Arrhythmogenic right ventricular dysplasia 11 with mild palmoplantar keratoderma and woolly hair. Identifiers: MedGen C1864850, MONDO:0012506, OMIM 610476.
Cardiomyopathy (CMYO). Also called: Cardiomyopathies. Identifiers: Orphanet 167848, MedGen C0878544, MONDO:0004994, HP:0001638. Inheritance: Various modes of inheritance.

Allele frequency attached by ClinVar (database versions not stated): gnomAD exomes 0.00001; gnomAD 0.00001.
gnomAD v4.1: 10 of 1,613,608 alleles (0.00062%); highest among the groups gnomAD compares: South Asian, 0.0055%; no homozygotes.

Submissions (2):

Labcorp Genetics (formerly Invitae), Labcorp
Classification: Likely benign for Arrhythmogenic right ventricular dysplasia 11. Last evaluated: 2023-01-08. Review status: criteria provided, single submitter. Criteria: Invitae Variant Classification Sherloc (09022015). Collection method: clinical testing. Allele origin: germline.

Color Diagnostics, LLC DBA Color Health
Classification: Uncertain significance for Cardiomyopathy. Last evaluated: 2022-11-06. Review status: criteria provided, single submitter. Criteria: ACMG Guidelines, 2015. Collection method: clinical testing. Allele origin: germline.
Comment: This variant is located in the DSC2 protein. To our knowledge, functional studies have not been reported for this variant. This variant has not been reported in individuals affected with DSC2-related disorders in the literature. This variant has not been identified in the general population by the Genome Aggregation Database (gnomAD). The available evidence is insufficient to determine the role of this variant in disease conclusively. Therefore, this variant is classified as a Variant of Uncertain Significance.